The following is an entry in ClinVar:

NM_025081.3(NYNRIN):c.2925T>C (p.Ser975=)

Gene: NYNRIN (NYN domain and retroviral integrase containing; plus strand). Cytogenetic location: 14q12.
Variant type: single nucleotide variant.
Coding change: c.2925T>C on transcript NM_025081.3 (MANE Select); coding-DNA position 2925, T replaced by C.
Protein change: p.Ser975=; no amino-acid change (serine 975 retained).
Molecular consequence: synonymous variant.
Genome position (GRCh38, 1-based): chr14:24,414,674, T>C. VCF-style: chr14-24414674-T-C. GRCh37 (hg19) VCF-style: chr14-24883880-T-C.
Identifiers: ClinVar variation 3631842 (VCV003631842.2).
Genomic context (GRCh38, chr14:24,414,674, plus strand): 5'-CAACTTCCTGAAGGTGTGGAAGACCCTTCCTCCCAGCTCAGCCAGTGTCACTGAGCTGAG[T>C]GATGACGCTGACTCTGGGCCCCTGGAGAGTCTGCCGAATATGGAAGAAGTCAGGGAAGAG-3'
Protein context (NP_079357.2, residues 965-985): PPSSASVTEL[Ser975=]DDADSGPLES

ClinVar aggregate classification (germline): Uncertain significance (1 of 4 stars; one submission).

Submission:

Labcorp Genetics (formerly Invitae), Labcorp
Classification: Uncertain significance. Last evaluated: 2024-10-21. Review status: criteria provided, single submitter. Criteria: Invitae Variant Classification Sherloc (09022015). Collection method: clinical testing. Allele origin: germline.
Comment: This sequence change affects codon 975 of the NYNRIN mRNA. It is a 'silent' change, meaning that it does not change the encoded amino acid sequence of the NYNRIN protein. This variant is present in population databases (rs199720810, gnomAD 0.003%). This variant has not been reported in the literature in individuals affected with NYNRIN-related conditions. Experimental studies and prediction algorithms are not available or were not evaluated, and the effect of this variant on mRNA splicing is currently unknown. In summary, the available evidence is currently insufficient to determine the role of this variant in disease. Therefore, it has been classified as a Variant of Uncertain Significance.